The following is an entry in ClinVar:

ClinVar aggregate classification (germline): Pathogenic (1 of 4 stars; one submission).

Conditions:
CHARGE syndrome (CHARGE). Also called: Hittner Hirsch Kreh syndrome; CHARGE ASSOCIATION--COLOBOMA, HEART ANOMALY, CHOANAL ATRESIA, RETARDATION, GENITAL AND EAR ANOMALIES; Coloboma, heart anomaly, choanal atresia, retardation, genital and ear anomalies; CHARGE association; Hall-Hittner syndrome. Identifiers: Orphanet 138, MedGen C0265354, MONDO:0008965.

Submission:

Laboratoire de Genetique Biologique, CHU de Poitiers
Classification: Pathogenic for CHD7-related CHARGE syndrome. Last evaluated: 2017-05-11. Review status: criteria provided, single submitter. Criteria: ACMG Guidelines, 2015. Collection method: in vitro. Allele origin: not applicable. Inheritance: Autosomal dominant inheritance.

NM_017780.4(CHD7):c.5405-13G>A

Gene: CHD7 (chromodomain helicase DNA binding protein 7; plus strand). Cytogenetic location: 8q12.2.
Variant type: single nucleotide variant.
Coding change: c.5405-13G>A on transcript NM_017780.4 (MANE Select); 13 bases into the intron before coding-DNA position 5405, G replaced by A.
Molecular consequence: intron variant.
Genome position (GRCh38, 1-based): chr8:60,850,480, G>A. VCF-style: chr8-60850480-G-A. GRCh37 (hg19) VCF-style: chr8-61763039-G-A.
Other names: c.1717-11749G>A (NM_001316690.1).
Identifiers: ClinVar variation 428610 (VCV000428610.2), dbSNP rs1131690787, ClinGen allele CA645369405.